The following is an entry in ClinVar:

NM_006642.5(SDCCAG8):c.2031G>A (p.Leu677=)

Genes: AKT3 (AKT serine/threonine kinase 3; minus strand), SDCCAG8 (SHH signaling and ciliogenesis regulator SDCCAG8; plus strand). Cytogenetic location: 1q43.
Variant type: single nucleotide variant.
Coding change: c.2031G>A on transcript NM_006642.5 (MANE Select); coding-DNA position 2031, G replaced by A.
Protein change: p.Leu677=; no amino-acid change (leucine 677 retained).
Molecular consequence: synonymous variant. On other transcripts: intron variant (1).
Genome position (GRCh38, 1-based): chr1:243,489,059, G>A. VCF-style: chr1-243489059-G-A. GRCh37 (hg19) VCF-style: chr1-243652361-G-A.
Other names: c.1128G>A, p.Leu376= (NM_001350246.2, NM_001350247.2, NM_001350251.2); c.2127G>A, p.Leu709= (NM_001350248.2); c.1737G>A, p.Leu579= (NM_001350249.2); c.*7-609C>T (NM_181690.2).
Identifiers: ClinVar variation 726634 (VCV000726634.15), dbSNP rs201112344, ClinGen allele CA41016491.
Genomic context (GRCh38, chr1:243,489,059, plus strand): 5'-TGGATTTTTCTCCAGGCTAAGGCAGCTGGATAAGCACAGCCAGGCCACAGCCCAGCAGCT[G>A]GTGCAGCTCCTCAGCAAGCAGAACCAGCTTCTCCTGGAGAGGCAGAGCCTGTCGGAAGAG-3'
Protein context (NP_006633.1, residues 667-687): DKHSQATAQQ[Leu677=]VQLLSKQNQL

ClinVar aggregate classification (germline): Likely benign. Review status: criteria provided, multiple submitters, no conflicts (2 of 4 stars). 2 submissions from 2 submitters: Likely benign (2). Last evaluated 2025-09-16.

Conditions:
Bardet-Biedl syndrome 16 (BBS16). Identifiers: Orphanet 110, MedGen C3889474, MONDO:0014444, OMIM 615993.
Senior-Loken syndrome 7 (SLSN7). Identifiers: Orphanet 3156, MedGen C3150877, MONDO:0013326, OMIM 613615.

Allele frequency attached by ClinVar (database versions not stated): gnomAD exomes 0.00001; TOPMed 0.00002; gnomAD 0.00001.
gnomAD v4.1: 9 of 1,613,298 alleles (0.00056%); highest among the groups gnomAD compares: Non-Finnish European, 0.00076%; no homozygotes.

Submissions (2):

Labcorp Genetics (formerly Invitae), Labcorp
Classification: Likely benign for Bardet-Biedl syndrome 16; Senior-Loken syndrome 7. Last evaluated: 2025-09-16. Review status: criteria provided, single submitter. Criteria: Invitae Variant Classification Sherloc (09022015). Collection method: clinical testing. Allele origin: germline.

CeGaT Center for Human Genetics Tuebingen
Classification: Likely benign. Last evaluated: 2025-09-01. Review status: criteria provided, single submitter. Criteria: CeGaT Center For Human Genetics Tuebingen Variant Classification Criteria Version 2. Collection method: clinical testing. Allele origin: germline. Affected: yes. Observed: 1 variant allele.
Comment: SDCCAG8: BP4, BP7